The following is an entry in ClinVar:

ClinVar aggregate classification (germline): Uncertain significance (1 of 4 stars; one submission).

Allele frequency attached by ClinVar (database versions not stated): TOPMed below 0.00001; gnomAD 0.00001.
gnomAD v4.1: 2 of 1,613,468 alleles (0.00012%); highest among the groups gnomAD compares: Non-Finnish European, 0.00017%; no homozygotes.

Submission:

Ambry Genetics
Classification: Uncertain significance. Last evaluated: 2022-03-04. Review status: criteria provided, single submitter. Criteria: Ambry Variant Classification Scheme 2023. Collection method: clinical testing. Allele origin: germline.
Comment: The p.A734V variant (also known as c.2201C>T), located in coding exon 13 of the NPAT gene, results from a C to T substitution at nucleotide position 2201. The alanine at codon 734 is replaced by valine, an amino acid with similar properties. This amino acid position is conserved. In addition, this alteration is predicted to be tolerated by in silico analysis. Since supporting evidence is limited at this time, the clinical significance of this alteration remains unclear.

NM_002519.3(NPAT):c.2201C>T (p.Ala734Val)

Gene: NPAT (nuclear protein, coactivator of histone transcription; minus strand). Cytogenetic location: 11q22.3.
Variant type: single nucleotide variant.
Coding change: c.2201C>T on transcript NM_002519.3 (MANE Select); coding-DNA position 2201, C replaced by T.
Protein change: p.Ala734Val; replaces alanine 734 with valine.
Molecular consequence: missense variant.
Genome position (GRCh38, 1-based): chr11:108,172,783, G>A on the plus strand (C>T on the coding strand, the complement: NPAT is on the minus strand). VCF-style: chr11-108172783-G-A. GRCh37 (hg19) VCF-style: chr11-108043510-G-A.
Other names: c.2201C>T, p.Ala734Val (NM_001321307.1); short protein forms A734V.
Identifiers: ClinVar variation 1787637 (VCV001787637.2), dbSNP rs1477286116, ClinGen allele CA382513469.